The following is an entry in ClinVar:

NM_000222.3(KIT):c.2208C>T (p.Ala736=)

Gene: KIT (KIT proto-oncogene, receptor tyrosine kinase; plus strand). Cytogenetic location: 4q12.
Variant type: single nucleotide variant.
Coding change: c.2208C>T on transcript NM_000222.3 (MANE Select); coding-DNA position 2208, C replaced by T.
Protein change: p.Ala736=; no amino-acid change (alanine 736 retained).
Molecular consequence: synonymous variant.
Genome position (GRCh38, 1-based): chr4:54,731,394, C>T. VCF-style: chr4-54731394-C-T. GRCh37 (hg19) VCF-style: chr4-55597560-C-T.
Other names: c.2196C>T, p.Ala732= (NM_001093772.2, NM_001385292.1); c.2211C>T, p.Ala737= (NM_001385284.1); c.2205C>T, p.Ala735= (NM_001385285.1); c.2193C>T, p.Ala731= (NM_001385286.1); c.2199C>T, p.Ala733= (NM_001385288.1); c.2208C>T, p.Ala736= (NM_001385290.1).
Identifiers: ClinVar variation 237255 (VCV000237255.33), dbSNP rs375902940, ClinGen allele CA2923677.

ClinVar aggregate classification (germline): Benign/Likely benign. Review status: criteria provided, multiple submitters, no conflicts (2 of 4 stars). 6 submissions from 6 submitters: Benign (1); Likely benign (4). 1 of the submissions does not count toward it. Last evaluated 2026-06-04.

Conditions:
KIT-related disorder. Also called: KIT-related condition.
Hereditary cancer-predisposing syndrome. Also called: Tumor predisposition; Hereditary Cancer Syndrome; Neoplastic Syndromes, Hereditary; Hereditary neoplastic syndrome. Identifiers: Orphanet 140162, MedGen C0027672, MeSH D009386, MONDO:0015356.
Gastrointestinal stromal tumor. Also called: Gastrointestinal stromal tumor, somatic; Gastrointestinal stroma tumor. Identifiers: Orphanet 44890, MedGen C0238198, MeSH D046152, MONDO:0011719, OMIM 606764, HP:0100723.

Allele frequency attached by ClinVar (database versions not stated): gnomAD exomes 0.00003; ExAC 0.00004; gnomAD 0.00006 and 0.00007; TOPMed 0.00006; ESP Exome Variant Server 0.00008; 1000 Genomes Project 30x 0.00031; 1000 Genomes Project 0.00040.
gnomAD v4.1: 50 of 1,612,946 alleles (0.0031%); highest among the groups gnomAD compares: East Asian, 0.027%; no homozygotes.

Submissions (6):

Myriad Genetics, Inc.
Classification: Benign for Gastrointestinal stromal tumor. Last evaluated: 2026-06-04. Review status: criteria provided, single submitter. Criteria: Myriad Autosomal Dominant, Autosomal Recessive and X-Linked Classification Criteria (2023). Collection method: clinical testing. Allele origin: unknown.
Comment: This variant is considered benign. This variant is a silent/synonymous amino acid change and it is not expected to impact splicing.

Labcorp Genetics (formerly Invitae), Labcorp
Classification: Likely benign for Gastrointestinal stromal tumor. Last evaluated: 2026-01-20. Review status: criteria provided, single submitter. Criteria: Invitae Variant Classification Sherloc (09022015). Collection method: clinical testing. Allele origin: germline.

CeGaT Center for Human Genetics Tuebingen
Classification: Likely benign. Last evaluated: 2024-09-01. Review status: criteria provided, single submitter. Criteria: CeGaT Center For Human Genetics Tuebingen Variant Classification Criteria Version 2. Collection method: clinical testing. Allele origin: germline. Affected: yes. Observed: 1 variant allele.
Comment: KIT: BP4, BP7

Blueprint Genetics
Classification: Likely benign. Last evaluated: 2022-10-28. Review status: criteria provided, single submitter. Criteria: ACMG Guidelines, 2015. Collection method: clinical testing. Allele origin: germline.

Ambry Genetics
Classification: Likely benign for Hereditary cancer-predisposing syndrome. Last evaluated: 2018-11-20. Review status: criteria provided, single submitter. Criteria: Ambry Variant Classification Scheme 2023. Collection method: clinical testing. Allele origin: germline.

PreventionGenetics, part of Exact Sciences
Classification: Likely benign for KIT-related condition. Last evaluated: 2021-12-30. Review status: no assertion criteria provided. Collection method: clinical testing. Allele origin: germline. Not counted in ClinVar's aggregate classification.
Comment: This variant is classified as likely benign based on ACMG/AMP sequence variant interpretation guidelines (Richards et al. 2015 PMID: 25741868, with internal and published modifications).